The following is an entry in ClinVar:

NM_000540.3(RYR1):c.6892-6C>G

Gene: RYR1 (ryanodine receptor 1; plus strand). Cytogenetic location: 19q13.2.
Variant type: single nucleotide variant.
Coding change: c.6892-6C>G on transcript NM_000540.3 (MANE Select); 6 bases into the intron before coding-DNA position 6892, C replaced by G.
Molecular consequence: intron variant.
Genome position (GRCh38, 1-based): chr19:38,499,102, C>G. VCF-style: chr19-38499102-C-G. GRCh37 (hg19) VCF-style: chr19-38989742-C-G.
Other names: c.6892-6C>G (NM_001042723.2).
Identifiers: ClinVar variation 3074438 (VCV003074438.3), dbSNP rs774360489, ClinGen allele CA068907.

ClinVar aggregate classification (germline): Conflicting classifications of pathogenicity. Review status: criteria provided, conflicting classifications (1 of 4 stars). 2 submissions from 2 submitters: Uncertain significance (1); Likely benign (1). Last evaluated 2024-03-14.

Conditions:
Malignant hyperthermia, susceptibility to, 1 (MHS1). Also called: Anesthesia related hyperthermia; Malignant hyperpyrexia; Fulminating hyperpyrexia; Pharmacogenic myopathy; RYR1-Related Malignant Hyperthermia Susceptibility; Malignant hyperthermia suceptibility 1. Identifiers: Orphanet 423, MedGen C2930980, MONDO:0007783, OMIM 145600.
RYR1-related disorder. Also called: RYR1-related condition; RYR1-related disorders. Identifiers: MedGen CN239331.

Allele frequency attached by ClinVar (database versions not stated): ExAC 0.00001; TOPMed 0.00002; gnomAD 0.00003.
gnomAD v4.1: 4 of 1,613,844 alleles (0.00025%); highest among the groups gnomAD compares: African/African-American, 0.0053%; no homozygotes.

Submissions (2):

Labcorp Genetics (formerly Invitae), Labcorp
Classification: Likely benign for RYR1-related disorder. Last evaluated: 2024-03-14. Review status: criteria provided, single submitter. Criteria: Invitae Variant Classification Sherloc (09022015). Collection method: clinical testing. Allele origin: germline.

All of Us Research Program, National Institutes of Health
Classification: Uncertain significance for Malignant hyperthermia, susceptibility to, 1. Last evaluated: 2023-11-20. Review status: criteria provided, single submitter. Criteria: ACMG Guidelines, 2015. Collection method: clinical testing. Allele origin: germline. Inheritance: Autosomal dominant inheritance. Observed: 1 variant allele, 1 heterozygote.
Comment: This variant causes a C to G nucleotide substitution at the -6 position of intron 42 of the RYR1 gene. To our knowledge, functional studies have not been reported for this variant. This variant has not been reported in individuals affected with RYR1-related disorders in the literature. This variant has not been identified in the general population by the Genome Aggregation Database (gnomAD). The available evidence is insufficient to determine the role of this variant in disease conclusively. Therefore, this variant is classified as a Variant of Uncertain Significance.

This study involves interpretation of variants in research participants for the purpose of population health screening. Participant phenotype was not available at the time of variant classification. Additional details can be found in publication PMID: 35346344, PMCID: PMC8962531